The following is an entry in ClinVar:

ClinVar aggregate classification (germline): Uncertain significance (1 of 4 stars; one submission).

Conditions:
Combined oxidative phosphorylation defect type 17. Also called: Combined oxidative phosphorylation deficiency 17. Identifiers: Orphanet 369913, MedGen C3809526, MONDO:0014190, OMIM 615440.

gnomAD v4.1: 2 of 1,613,654 alleles (0.00012%); highest among the groups gnomAD compares: Non-Finnish European, 0.00017%; no homozygotes.

Submission:

Labcorp Genetics (formerly Invitae), Labcorp
Classification: Uncertain significance for Combined oxidative phosphorylation defect type 17. Last evaluated: 2024-07-09. Review status: criteria provided, single submitter. Criteria: Invitae Variant Classification Sherloc (09022015). Collection method: clinical testing. Allele origin: germline.
Comment: This sequence change replaces glycine, which is neutral and non-polar, with valine, which is neutral and non-polar, at codon 156 of the ELAC2 protein (p.Gly156Val). This variant is not present in population databases (gnomAD no frequency). This variant has not been reported in the literature in individuals affected with ELAC2-related conditions. An algorithm developed to predict the effect of missense changes on protein structure and function (PolyPhen-2) suggests that this variant is likely to be disruptive. In summary, the available evidence is currently insufficient to determine the role of this variant in disease. Therefore, it has been classified as a Variant of Uncertain Significance.

NM_018127.7(ELAC2):c.467G>T (p.Gly156Val)

Gene: ELAC2 (elaC ribonuclease Z 2; minus strand). Cytogenetic location: 17p12.
Variant type: single nucleotide variant.
Coding change: c.467G>T on transcript NM_018127.7 (MANE Select); coding-DNA position 467, G replaced by T.
Protein change: p.Gly156Val; replaces glycine 156 with valine.
Molecular consequence: missense variant.
Genome position (GRCh38, 1-based): chr17:13,014,462, C>A on the plus strand (G>T on the coding strand, the complement: ELAC2 is on the minus strand). VCF-style: chr17-13014462-C-A. GRCh37 (hg19) VCF-style: chr17-12917779-C-A.
Other names: c.467G>T, p.Gly156Val (NM_001165962.2, NM_173717.2); short protein forms G156V.
Identifiers: ClinVar variation 3730145 (VCV003730145.2).
Genomic context (GRCh38, chr17:13,014,462, plus strand): 5'-AGAAATAGCAGAGGATGAGTCACAGACAAAGACGTACCCAGTTCTATTCCTTTCAATGGA[C>A]CAGAAAATATTTTGATTGCTTCGAGGTATTTTTCCTAATGAAAAACAAAGAAATGAGCAG-3'
Protein context (NP_060597.4, residues 146-166): KYLEAIKIFS[Gly156Val]PLKGIELAVR